The following is an entry in ClinVar:

ClinVar aggregate classification (germline): Pathogenic/Likely pathogenic. Review status: criteria provided, multiple submitters, no conflicts (2 of 4 stars). 4 submissions from 4 submitters: Pathogenic (1); Likely pathogenic (1). 2 of the submissions do not count toward it. Last evaluated 2024-09-06.

Conditions:
Mucopolysaccharidosis type 1. Also called: Mucopolysaccharidosis Type I; IDUA deficiency; MPS I. Identifiers: Orphanet 579, MedGen C0023786, MONDO:0001586.
Mucopolysaccharidosis, MPS-I-H/S. Also called: Mucopolysaccharidosis type IH/S. Identifiers: Orphanet 93476, MedGen C0086431, MONDO:0011759, OMIM 607015.
Hurler syndrome. Also called: Severe MPS I (Hurler Syndrome); Gargoylism, Hurler Syndrome; MUCOPOLYSACCHARIDOSIS TYPE IH. Identifiers: Orphanet 93473, MedGen C0086795, MONDO:0011758, OMIM 607014.

Submissions (4):

Women's Health and Genetics/Laboratory Corporation of America, LabCorp
Classification: Likely pathogenic for Mucopolysaccharidosis type 1. Last evaluated: 2024-09-06. Review status: criteria provided, single submitter. Criteria: LabCorp Variant Classification Summary - May 2015. Collection method: clinical testing. Allele origin: germline.
Comment: Variant summary: IDUA c.1855C>G (p.Arg619Gly) results in a non-conservative amino acid change located in the Alpha-L-iduronidase, C-terminal domain (IPR049167) of the encoded protein sequence. Five of five in-silico tools predict a damaging effect of the variant on protein function. The variant was absent in 247950 control chromosomes (gnomAD). c.1855C>G has been reported in the literature in at least one individual affected with Mucopolysaccharidosis Type 1 (Lee-Chen_1999). These data indicate that the variant may be associated with disease. At least one publication reports experimental evidence evaluating an impact on protein function. The most pronounced variant effect results in <10% of normal activity (Lee-Chen_1999). The following publications have been ascertained in the context of this evaluation (PMID: 10466419, 12189649, 15521993, 24480078, 15300847). ClinVar contains an entry for this variant (Variation ID: 11924). Based on the evidence outlined above, the variant was classified as likely pathogenic.

Labcorp Genetics (formerly Invitae), Labcorp
Classification: Pathogenic for Mucopolysaccharidosis type 1. Last evaluated: 2024-01-17. Review status: criteria provided, single submitter. Criteria: Invitae Variant Classification Sherloc (09022015). Collection method: clinical testing. Allele origin: germline.
Comment: This sequence change replaces arginine, which is basic and polar, with glycine, which is neutral and non-polar, at codon 619 of the IDUA protein (p.Arg619Gly). This variant is not present in population databases (gnomAD no frequency). This missense change has been observed in individual(s) with Hurler–Scheie syndrome (PMID: 10466419, 12189649). ClinVar contains an entry for this variant (Variation ID: 11924). Advanced modeling of protein sequence and biophysical properties (such as structural, functional, and spatial information, amino acid conservation, physicochemical variation, residue mobility, and thermodynamic stability) has been performed at Invitae for this missense variant, however the output from this modeling did not meet the statistical confidence thresholds required to predict the impact of this variant on IDUA protein function. Experimental studies have shown that this missense change affects IDUA function (PMID: 10466419, 12189649). For these reasons, this variant has been classified as Pathogenic.

Counsyl
Classification: Uncertain significance for Hurler syndrome. Last evaluated: 2017-04-25. Review status: no assertion criteria provided. Collection method: clinical testing. Allele origin: unknown. Not counted in ClinVar's aggregate classification.

OMIM
Classification: Pathogenic for HURLER-SCHEIE SYNDROME. Last evaluated: 1999-07-01. Review status: no assertion criteria provided. Collection method: literature only. Allele origin: germline. Not counted in ClinVar's aggregate classification.

Literature cited by the submitters: PubMed 12189649 (cited by 3 submitters); PubMed 15300847 (cited by Women's Health and Genetics/Laboratory Corporation of America, LabCorp); PubMed 10466419 (cited by 4 submitters); PubMed 15521993 (cited by Women's Health and Genetics/Laboratory Corporation of America, LabCorp); PubMed 24480078 (cited by Women's Health and Genetics/Laboratory Corporation of America, LabCorp and Counsyl).

NM_000203.5(IDUA):c.1855C>G (p.Arg619Gly)

Gene: IDUA (alpha-L-iduronidase; plus strand). Cytogenetic location: 4p16.3.
Variant type: single nucleotide variant.
Coding change: c.1855C>G on transcript NM_000203.5 (MANE Select); coding-DNA position 1855, C replaced by G.
Protein change: p.Arg619Gly; replaces arginine 619 with glycine.
Molecular consequence: missense variant. On other transcripts: non-coding transcript variant (1).
Genome position (GRCh38, 1-based): chr4:1,004,286, C>G. VCF-style: chr4-1004286-C-G. GRCh37 (hg19) VCF-style: chr4-998074-C-G.
Other names: c.1459C>G, p.Arg487Gly (NM_001363576.1); short protein forms R619G, R487G.
Identifiers: ClinVar variation 11924 (VCV000011924.7), dbSNP rs121965031, ClinGen allele CA256125.